The following is an entry in ClinVar:

ClinVar aggregate classification (germline): Uncertain significance (1 of 4 stars; one submission).

Conditions:
Epileptic encephalopathy. Identifiers: MedGen C0543888, HP:0200134.

Allele frequency attached by ClinVar (database versions not stated): gnomAD 0.00001; gnomAD exomes 0.00001.

Submission:

Labcorp Genetics (formerly Invitae), Labcorp
Classification: Uncertain significance for Epileptic encephalopathy. Last evaluated: 2023-05-30. Review status: criteria provided, single submitter. Criteria: Invitae Variant Classification Sherloc (09022015). Collection method: clinical testing. Allele origin: germline.
Comment: This sequence change replaces alanine, which is neutral and non-polar, with valine, which is neutral and non-polar, at codon 756 of the FASN protein (p.Ala756Val). The frequency data for this variant in the population databases is considered unreliable, as metrics indicate poor data quality at this position in the gnomAD database. This variant has not been reported in the literature in individuals affected with FASN-related conditions. An algorithm developed to predict the effect of missense changes on protein structure and function (PolyPhen-2) suggests that this variant is likely to be disruptive. In summary, the available evidence is currently insufficient to determine the role of this variant in disease. Therefore, it has been classified as a Variant of Uncertain Significance.

NM_004104.5(FASN):c.2267C>T (p.Ala756Val)

Gene: FASN (fatty acid synthase; minus strand). Cytogenetic location: 17q25.3.
Variant type: single nucleotide variant.
Coding change: c.2267C>T on transcript NM_004104.5 (MANE Select); coding-DNA position 2267, C replaced by T.
Protein change: p.Ala756Val; replaces alanine 756 with valine.
Molecular consequence: missense variant.
Genome position (GRCh38, 1-based): chr17:82,089,006, G>A on the plus strand (C>T on the coding strand, the complement: FASN is on the minus strand). VCF-style: chr17-82089006-G-A. GRCh37 (hg19) VCF-style: chr17-80046882-G-A.
Other names: short protein forms A756V.
Identifiers: ClinVar variation 2882496 (VCV002882496.3), dbSNP rs1279762063, ClinGen allele CA401558320.
Genomic context (GRCh38, chr17:82,089,006, plus strand): 5'-TGCTGCCCCCAGGCTGGGCCTACCTGCAGCAGGGCGTGGGGCGCGATCTCCAGCACCACC[G>A]CGTGCTCAGGCACGTGCCACAGGGCCTCCTGGAACAGCACAGGGCTCACCAGGTTGTTGA-3'
Protein context (NP_004095.4, residues 746-766): QEALWHVPEH[Ala756Val]VVLEIAPHAL